The following is an entry in ClinVar:

NM_022552.5(DNMT3A):c.176C>A (p.Pro59Gln)

Gene: DNMT3A (DNA methyltransferase 3 alpha; minus strand). Cytogenetic location: 2p23.3.
Variant type: single nucleotide variant.
Coding change: c.176C>A on transcript NM_022552.5 (MANE Select); coding-DNA position 176, C replaced by A.
Protein change: p.Pro59Gln; replaces proline 59 with glutamine.
Molecular consequence: missense variant. On other transcripts: non-coding transcript variant (1).
Genome position (GRCh38, 1-based): chr2:25,300,140, G>T on the plus strand (C>A on the coding strand, the complement: DNMT3A is on the minus strand). VCF-style: chr2-25300140-G-T. GRCh37 (hg19) VCF-style: chr2-25523009-G-T.
Other names: c.176C>A, p.Pro59Gln (NM_001320892.2, NM_175629.2, NM_175630.1); short protein forms P59Q.
Identifiers: ClinVar variation 4697067 (VCV004697067.1).

ClinVar aggregate classification (germline): Uncertain significance (1 of 4 stars; one submission).

Conditions:
Tatton-Brown-Rahman overgrowth syndrome. Also called: Tall stature-intellectual disability-facial dysmorphism syndrome; Tatton-Brown-Rahman syndrome. Identifiers: Orphanet 404443, MedGen C4014545, MONDO:0014382, OMIM 615879.

gnomAD v4.1: 1 of 1,612,048 alleles (0.000062%); highest among the groups gnomAD compares: Non-Finnish European, 0.000085%; no homozygotes.

Submission:

Labcorp Genetics (formerly Invitae), Labcorp
Classification: Uncertain significance for Tatton-Brown-Rahman overgrowth syndrome. Last evaluated: 2025-05-08. Review status: criteria provided, single submitter. Criteria: Invitae Variant Classification Sherloc (09022015). Collection method: clinical testing. Allele origin: germline.
Comment: This sequence change replaces proline, which is neutral and non-polar, with glutamine, which is neutral and polar, at codon 59 of the DNMT3A protein (p.Pro59Gln). This variant is not present in population databases (gnomAD no frequency). This variant has not been reported in the literature in individuals affected with DNMT3A-related conditions. Invitae Evidence Modeling of protein sequence and biophysical properties (such as structural, functional, and spatial information, amino acid conservation, physicochemical variation, residue mobility, and thermodynamic stability) indicates that this missense variant is not expected to disrupt DNMT3A protein function with a negative predictive value of 95%. In summary, the available evidence is currently insufficient to determine the role of this variant in disease. Therefore, it has been classified as a Variant of Uncertain Significance.